The following is an entry in ClinVar:

NM_022367.4(SEMA4A):c.1492A>G (p.Ser498Gly)

Gene: SEMA4A (semaphorin 4A; plus strand). Cytogenetic location: 1q22.
Variant type: single nucleotide variant.
Coding change: c.1492A>G on transcript NM_022367.4 (MANE Select); coding-DNA position 1492, A replaced by G.
Protein change: p.Ser498Gly; replaces serine 498 with glycine.
Molecular consequence: missense variant.
Genome position (GRCh38, 1-based): chr1:156,175,143, A>G. VCF-style: chr1-156175143-A-G. GRCh37 (hg19) VCF-style: chr1-156144934-A-G.
Other names: c.1492A>G, p.Ser498Gly (NM_001193300.2, NM_001193301.2, NM_001370567.1); c.1096A>G, p.Ser366Gly (NM_001193302.2); c.1195A>G, p.Ser399Gly (NM_001370568.1); c.985A>G, p.Ser329Gly (NM_001370569.1, NM_001370571.1); short protein forms S498G, S366G, S329G, S399G.
Identifiers: ClinVar variation 1358550 (VCV001358550.6), dbSNP rs1455883281, ClinGen allele CA342809293.

ClinVar aggregate classification (germline): Uncertain significance (1 of 4 stars; one submission).

Allele frequency attached by ClinVar (database versions not stated): gnomAD exomes below 0.00001; TOPMed below 0.00001; gnomAD 0.00001.
gnomAD v4.1: 2 of 1,613,934 alleles (0.00012%); highest among the groups gnomAD compares: Non-Finnish European, 0.00017%; no homozygotes.

Submission:

Labcorp Genetics (formerly Invitae), Labcorp
Classification: Uncertain significance. Last evaluated: 2022-08-23. Review status: criteria provided, single submitter. Criteria: Invitae Variant Classification Sherloc (09022015). Collection method: clinical testing. Allele origin: germline.
Comment: This sequence change replaces serine, which is neutral and polar, with glycine, which is neutral and non-polar, at codon 498 of the SEMA4A protein (p.Ser498Gly). This variant is not present in population databases (gnomAD no frequency). This variant has not been reported in the literature in individuals affected with SEMA4A-related conditions. ClinVar contains an entry for this variant (Variation ID: 1358550). Algorithms developed to predict the effect of missense changes on protein structure and function are either unavailable or do not agree on the potential impact of this missense change (SIFT: "Deleterious"; PolyPhen-2: "Benign"; Align-GVGD: "Class C0"). In summary, the available evidence is currently insufficient to determine the role of this variant in disease. Therefore, it has been classified as a Variant of Uncertain Significance.